The following is an entry in ClinVar:

NM_172362.3(KCNH1):c.1634C>A (p.Ser545Tyr)

Gene: KCNH1 (potassium voltage-gated channel subfamily H member 1; minus strand). Cytogenetic location: 1q32.2.
Variant type: single nucleotide variant.
Coding change: c.1634C>A on transcript NM_172362.3 (MANE Select); coding-DNA position 1634, C replaced by A.
Protein change: p.Ser545Tyr; replaces serine 545 with tyrosine.
Molecular consequence: missense variant.
Genome position (GRCh38, 1-based): chr1:210,803,995, G>T on the plus strand (C>A on the coding strand, the complement: KCNH1 is on the minus strand). VCF-style: chr1-210803995-G-T. GRCh37 (hg19) VCF-style: chr1-210977337-G-T.
Other names: c.1553C>A, p.Ser518Tyr (NM_002238.4); short protein forms S518Y, S545Y.
Identifiers: ClinVar variation 3633730 (VCV003633730.2).

ClinVar aggregate classification (germline): Uncertain significance (1 of 4 stars; one submission).

Submission:

Labcorp Genetics (formerly Invitae), Labcorp
Classification: Uncertain significance. Last evaluated: 2024-11-29. Review status: criteria provided, single submitter. Criteria: Invitae Variant Classification Sherloc (09022015). Collection method: clinical testing. Allele origin: germline.
Comment: This sequence change replaces serine, which is neutral and polar, with tyrosine, which is neutral and polar, at codon 545 of the KCNH1 protein (p.Ser545Tyr). This variant is not present in population databases (gnomAD no frequency). This variant has not been reported in the literature in individuals affected with KCNH1-related conditions. Invitae Evidence Modeling of protein sequence and biophysical properties (such as structural, functional, and spatial information, amino acid conservation, physicochemical variation, residue mobility, and thermodynamic stability) has been performed for this missense variant. However, the output from this modeling did not meet the statistical confidence thresholds required to predict the impact of this variant on KCNH1 protein function. In summary, the available evidence is currently insufficient to determine the role of this variant in disease. Therefore, it has been classified as a Variant of Uncertain Significance.